The following is an entry in ClinVar:

ClinVar aggregate classification (germline): Pathogenic. Review status: criteria provided, multiple submitters, no conflicts (2 of 4 stars). 3 submissions from 3 submitters: Pathogenic (3). Last evaluated 2025-11-02.

Conditions:
Hereditary nonpolyposis colorectal neoplasms. Identifiers: MedGen C0009405, MeSH D003123.
Lynch syndrome 5 (LYNCH5). Also called: Colorectal cancer, hereditary nonpolyposis, type 5; Hereditary non-polyposis colorectal cancer, type 5. Identifiers: Orphanet 144, MedGen C1833477, MONDO:0013710, OMIM 614350. Disease mechanism: loss of function.
Hereditary cancer-predisposing syndrome. Also called: Hereditary Cancer Syndrome; Tumor predisposition; Hereditary neoplastic syndrome; Neoplastic Syndromes, Hereditary. Identifiers: Orphanet 140162, MedGen C0027672, MeSH D009386, MONDO:0015356.

Allele frequency attached by ClinVar (database versions not stated): gnomAD exomes below 0.00001.

Submissions (3):

Labcorp Genetics (formerly Invitae), Labcorp
Classification: Pathogenic for Hereditary nonpolyposis colorectal neoplasms. Last evaluated: 2025-11-02. Review status: criteria provided, single submitter. Criteria: Invitae Variant Classification Sherloc (09022015). Collection method: clinical testing. Allele origin: germline.
Comment: This sequence change creates a premature translational stop signal (p.Leu449Profs*15) in the MSH6 gene. It is expected to result in an absent or disrupted protein product. Loss-of-function variants in MSH6 are known to be pathogenic (PMID: 18269114, 24362816). This variant is not present in population databases (gnomAD no frequency). This variant has not been reported in the literature in individuals affected with MSH6-related conditions. ClinVar contains an entry for this variant (Variation ID: 1409824). For these reasons, this variant has been classified as Pathogenic.

Ambry Genetics
Classification: Pathogenic for Hereditary cancer-predisposing syndrome. Last evaluated: 2025-04-04. Review status: criteria provided, single submitter. Criteria: Ambry Variant Classification Scheme 2023. Collection method: clinical testing. Allele origin: germline.
Comment: The c.1345dupC pathogenic mutation, located in coding exon 4 of the MSH6 gene, results from a duplication of C at nucleotide position 1345, causing a translational frameshift with a predicted alternate stop codon (p.L449Pfs*15). This variant is considered to be rare based on population cohorts in the Genome Aggregation Database (gnomAD). This alteration is expected to result in loss of function by premature protein truncation or nonsense-mediated mRNA decay. As such, this alteration is interpreted as a disease-causing mutation.

Myriad Genetics, Inc.
Classification: Pathogenic for Lynch syndrome 5. Last evaluated: 2023-11-08. Review status: criteria provided, single submitter. Criteria: Myriad Autosomal Dominant, Autosomal Recessive and X-Linked Classification Criteria (2023). Collection method: clinical testing. Allele origin: unknown.
Comment: This variant is considered pathogenic. This variant creates a frameshift predicted to result in premature protein truncation.

Literature cited by the submitters: PubMed 18269114 (cited by Labcorp Genetics (formerly Invitae), Labcorp); PubMed 24362816 (cited by Labcorp Genetics (formerly Invitae), Labcorp).

NM_000179.3(MSH6):c.1345dup (p.Leu449fs)

Gene: MSH6 (mutS homolog 6; plus strand). Cytogenetic location: 2p16.3.
Variant type: Duplication.
Coding change: c.1345dup on transcript NM_000179.3 (MANE Select); coding-DNA position 1345, one base duplicated (C; older notation c.1345dupC).
Protein change: p.Leu449fs; shifts the reading frame from leucine 449.
Molecular consequence: frameshift variant.
Genome position (GRCh38, 1-based): chr2:47,799,328, C duplicated. VCF-style (leftmost placement, unchanged base first): chr2-47799327-G-GC. GRCh37 (hg19) VCF-style: chr2-48026466-G-GC.
Other names: c.955dup, p.Leu319fs (NM_001281492.2); c.439dup, p.Leu147fs (NM_001281493.2, NM_001281494.2); short protein forms L147fs, L449fs, L319fs.
Identifiers: ClinVar variation 1409824 (VCV001409824.10), dbSNP rs2104337976, ClinGen allele CA2573134919.